The following is an entry in ClinVar:

NM_005029.4(PITX3):c.703G>A (p.Val235Met)

Genes: GBF1 (golgi brefeldin A resistant guanine nucleotide exchange factor 1; plus strand), PITX3 (paired like homeodomain 3; minus strand), LOC130004591 (ATAC-STARR-seq lymphoblastoid silent region 2753; plus strand). Cytogenetic location: 10q24.32.
Variant type: single nucleotide variant.
Coding change: c.703G>A on transcript NM_005029.4 (MANE Select); coding-DNA position 703, G replaced by A.
Protein change: p.Val235Met; replaces valine 235 with methionine.
Molecular consequence: missense variant. On other transcripts: 5 prime UTR variant (2).
Genome position (GRCh38, 1-based): chr10:102,230,720, C>T on the plus strand (G>A on the coding strand, the complement: PITX3 is on the minus strand). VCF-style: chr10-102230720-C-T. GRCh37 (hg19) VCF-style: chr10-103990477-C-T.
Other names: c.-207C>T (NM_001391923.1); c.-345C>T (NM_001391924.1); short protein forms V235M.
Identifiers: ClinVar variation 2635698 (VCV002635698.6), dbSNP rs148445461, ClinGen allele CA5662699.

ClinVar aggregate classification (germline): Conflicting classifications of pathogenicity. Review status: criteria provided, conflicting classifications (1 of 4 stars). 4 submissions from 4 submitters: Uncertain significance (3); Likely benign (1). Last evaluated 2025-02-16.

Conditions:
Inborn genetic diseases. Identifiers: MedGen C0950123, MeSH D030342.
PITX3-related disorder. Also called: PITX3-related condition.

Allele frequency attached by ClinVar (database versions not stated): ExAC 0.00021; ESP Exome Variant Server 0.00017; TOPMed 0.00019; 1000 Genomes Project 0.00040; 1000 Genomes Project 30x 0.00016; gnomAD 0.00020.
gnomAD v4.1: 323 of 1,540,718 alleles (0.021%); highest among the groups gnomAD compares: Non-Finnish European, 0.027%; no homozygotes.

Submissions (4):

Laboratory of Genetics, Children's Clinical University Hospital Latvia
Classification: Likely benign. Last evaluated: 2025-02-16. Review status: criteria provided, single submitter. Criteria: ACMG Guidelines, 2015. Collection method: clinical testing. Allele origin: germline. Affected: yes.

Labcorp Genetics (formerly Invitae), Labcorp
Classification: Uncertain significance. Last evaluated: 2025-01-20. Review status: criteria provided, single submitter. Criteria: Invitae Variant Classification Sherloc (09022015). Collection method: clinical testing. Allele origin: germline.
Comment: This sequence change replaces valine, which is neutral and non-polar, with methionine, which is neutral and non-polar, at codon 235 of the PITX3 protein (p.Val235Met). This variant is present in population databases (rs148445461, gnomAD 0.03%). This variant has not been reported in the literature in individuals affected with PITX3-related conditions. ClinVar contains an entry for this variant (Variation ID: 2635698). An algorithm developed to predict the effect of missense changes on protein structure and function (PolyPhen-2) suggests that this variant is likely to be tolerated. In summary, the available evidence is currently insufficient to determine the role of this variant in disease. Therefore, it has been classified as a Variant of Uncertain Significance.

Ambry Genetics
Classification: Uncertain significance for Inborn genetic diseases. Last evaluated: 2024-07-30. Review status: criteria provided, single submitter. Criteria: Ambry Variant Classification Scheme 2023. Collection method: clinical testing. Allele origin: germline.

PreventionGenetics, part of Exact Sciences
Classification: Uncertain significance for PITX3-related condition. Last evaluated: 2023-05-09. Review status: criteria provided, single submitter. Criteria: ACMG Guidelines, 2015. Collection method: clinical testing. Allele origin: germline.
Comment: The PITX3 c.703G>A variant is predicted to result in the amino acid substitution p.Val235Met. To our knowledge, this variant has not been reported in the literature. This variant is reported in 0.028% of alleles in individuals of European (Non-Finnish) descent in gnomAD. At this time, the clinical significance of this variant is uncertain due to the absence of conclusive functional and genetic evidence.